The following is an entry in ClinVar:

ClinVar aggregate classification (germline): Uncertain significance (1 of 4 stars; one submission).

Conditions:
Gorlin syndrome. Also called: Basal cell nevus syndrome; Nevoid Basal Cell Carcinoma Syndrome. Identifiers: Orphanet 377, MedGen C0004779, MONDO:0007187.

Submission:

Labcorp Genetics (formerly Invitae), Labcorp
Classification: Uncertain significance for Gorlin syndrome. Last evaluated: 2023-09-04. Review status: criteria provided, single submitter. Criteria: Invitae Variant Classification Sherloc (09022015). Collection method: clinical testing. Allele origin: germline.
Comment: In summary, the available evidence is currently insufficient to determine the role of this variant in disease. Therefore, it has been classified as a Variant of Uncertain Significance. This sequence change replaces proline, which is neutral and non-polar, with leucine, which is neutral and non-polar, at codon 950 of the PTCH2 protein (p.Pro950Leu). This variant is not present in population databases (gnomAD no frequency). This variant has not been reported in the literature in individuals affected with PTCH2-related conditions. Advanced modeling of protein sequence and biophysical properties (such as structural, functional, and spatial information, amino acid conservation, physicochemical variation, residue mobility, and thermodynamic stability) performed at Invitae indicates that this missense variant is expected to disrupt PTCH2 protein function.

NM_003738.5(PTCH2):c.2849C>T (p.Pro950Leu)

Gene: PTCH2 (patched 2; minus strand). Cytogenetic location: 1p34.1.
Variant type: single nucleotide variant.
Coding change: c.2849C>T on transcript NM_003738.5 (MANE Select); coding-DNA position 2849, C replaced by T.
Protein change: p.Pro950Leu; replaces proline 950 with leucine.
Molecular consequence: missense variant.
Genome position (GRCh38, 1-based): chr1:44,826,615, G>A on the plus strand (C>T on the coding strand, the complement: PTCH2 is on the minus strand). VCF-style: chr1-44826615-G-A. GRCh37 (hg19) VCF-style: chr1-45292287-G-A.
Other names: c.2849C>T, p.Pro950Leu (NM_001166292.2); short protein forms P950L.
Identifiers: ClinVar variation 2918278 (VCV002918278.3), dbSNP rs1653157149, ClinGen allele CA340109422.